The following is an entry in ClinVar:

NM_001735.3(C5):c.4676A>G (p.Tyr1559Cys)

Gene: C5 (complement C5; minus strand). Cytogenetic location: 9q33.2.
Variant type: single nucleotide variant.
Coding change: c.4676A>G on transcript NM_001735.3 (MANE Select); coding-DNA position 4676, A replaced by G.
Protein change: p.Tyr1559Cys; replaces tyrosine 1559 with cysteine.
Molecular consequence: missense variant.
Genome position (GRCh38, 1-based): chr9:120,960,250, T>C on the plus strand (A>G on the coding strand, the complement: C5 is on the minus strand). VCF-style: chr9-120960250-T-C. GRCh37 (hg19) VCF-style: chr9-123722528-T-C.
Other names: c.4694A>G, p.Tyr1565Cys (NM_001317163.2); short protein forms Y1559C, Y1565C.
Identifiers: ClinVar variation 1422371 (VCV001422371.7), dbSNP rs1174188002, ClinGen allele CA374742668.
Genomic context (GRCh38, chr9:120,960,250, plus strand): 5'-GAACACATATTCATAAAATTTCATGTTTAAAGGAGCTATATTGAACTTTTGAACTCACCA[T>C]ATGCAATCTCTGGTTTACATGCTGTTTGTTTTCTTGTCTCTGCAGAGATTGTCAGATCCA-3'
Protein context (NP_001726.2, residues 1549-1569): KQTACKPEIA[Tyr1559Cys]AYKVSITSIT

ClinVar aggregate classification (germline): Uncertain significance. Review status: criteria provided, multiple submitters, no conflicts (2 of 4 stars). 2 submissions from 2 submitters: Uncertain significance (2). Last evaluated 2022-05-30.

Allele frequency attached by ClinVar (database versions not stated): gnomAD exomes below 0.00001 and 0.00002; TOPMed below 0.00001.
gnomAD v4.1: 30 of 1,601,100 alleles (0.0019%); highest among the groups gnomAD compares: Non-Finnish European, 0.0026%; no homozygotes.

Submissions (2):

Blueprint Genetics
Classification: Uncertain significance. Last evaluated: 2022-05-30. Review status: criteria provided, single submitter. Criteria: ACMG Guidelines, 2015. Collection method: clinical testing. Allele origin: germline.

Labcorp Genetics (formerly Invitae), Labcorp
Classification: Uncertain significance. Last evaluated: 2021-10-22. Review status: criteria provided, single submitter. Criteria: Invitae Variant Classification Sherloc (09022015). Collection method: clinical testing. Allele origin: germline.
Comment: This variant is not present in population databases (ExAC no frequency). This variant has not been reported in the literature in individuals affected with C5-related conditions. Algorithms developed to predict the effect of missense changes on protein structure and function are either unavailable or do not agree on the potential impact of this missense change (SIFT: "Deleterious"; PolyPhen-2: "Probably Damaging"; Align-GVGD: "Class C0"). In summary, the available evidence is currently insufficient to determine the role of this variant in disease. Therefore, it has been classified as a Variant of Uncertain Significance. This sequence change replaces tyrosine with cysteine at codon 1559 of the C5 protein (p.Tyr1559Cys). The tyrosine residue is highly conserved and there is a large physicochemical difference between tyrosine and cysteine.